The following is an entry in ClinVar:

ClinVar aggregate classification (germline): Uncertain significance (1 of 4 stars; one submission).

Conditions:
Retinitis pigmentosa 20 (RP20). Identifiers: Orphanet 791, MedGen C3151086, MONDO:0013425, OMIM 613794.
Leber congenital amaurosis 2 (LCA2). Also called: AMAUROSIS CONGENITA OF LEBER II; Autosomal Recessive RPE65-Related Retinal Degeneration. Identifiers: Orphanet 65, MedGen C1859844, MONDO:0008765, OMIM 204100. Disease mechanism: loss of function.

Submission:

Labcorp Genetics (formerly Invitae), Labcorp
Classification: Uncertain significance for Leber congenital amaurosis 2; Retinitis pigmentosa 20. Last evaluated: 2024-02-23. Review status: criteria provided, single submitter. Criteria: Invitae Variant Classification Sherloc (09022015). Collection method: clinical testing. Allele origin: germline.
Comment: This sequence change replaces glycine, which is neutral and non-polar, with valine, which is neutral and non-polar, at codon 53 of the RPE65 protein (p.Gly53Val). This variant is not present in population databases (gnomAD no frequency). This variant has not been reported in the literature in individuals affected with RPE65-related conditions. ClinVar contains an entry for this variant (Variation ID: 1378929). Advanced modeling of protein sequence and biophysical properties (such as structural, functional, and spatial information, amino acid conservation, physicochemical variation, residue mobility, and thermodynamic stability) performed at Invitae indicates that this missense variant is expected to disrupt RPE65 protein function with a positive predictive value of 80%. In summary, the available evidence is currently insufficient to determine the role of this variant in disease. Therefore, it has been classified as a Variant of Uncertain Significance.

NM_000329.3(RPE65):c.158G>T (p.Gly53Val)

Gene: RPE65 (retinoid isomerohydrolase RPE65; minus strand). Cytogenetic location: 1p31.3.
Variant type: single nucleotide variant.
Coding change: c.158G>T on transcript NM_000329.3 (MANE Select); coding-DNA position 158, G replaced by T.
Protein change: p.Gly53Val; replaces glycine 53 with valine.
Molecular consequence: missense variant.
Genome position (GRCh38, 1-based): chr1:68,446,797, C>A on the plus strand (G>T on the coding strand, the complement: RPE65 is on the minus strand). VCF-style: chr1-68446797-C-A. GRCh37 (hg19) VCF-style: chr1-68912480-C-A.
Other names: short protein forms G53V.
Identifiers: ClinVar variation 1378929 (VCV001378929.7), dbSNP rs763536294, ClinGen allele CA340749110.
Genomic context (GRCh38, chr1:68,446,797, plus strand): 5'-TTAAAGTCAAACTTGTGCAGGAGGGCTTGCCCATCAAACAGGTGGTAAAATGGCTCAGAT[C>A]CAACTTCAAAGAGTCCTGGCCCACATCGAAGGAGACTGCCGGTGAGCCAGAGGGGGATCC-3'
Protein context (NP_000320.1, residues 43-63): LRCGPGLFEV[Gly53Val]SEPFYHLFDG